The following is an entry in ClinVar:

ClinVar aggregate classification (germline): Likely pathogenic (1 of 4 stars; one submission).

Conditions:
Hereditary cancer-predisposing syndrome. Also called: Tumor predisposition; Hereditary Cancer Syndrome; Neoplastic Syndromes, Hereditary; Hereditary neoplastic syndrome. Identifiers: Orphanet 140162, MedGen C0027672, MeSH D009386, MONDO:0015356.

Submission:

Ambry Genetics
Classification: Likely pathogenic for Hereditary cancer-predisposing syndrome. Last evaluated: 2026-08-31. Review status: criteria provided, single submitter. Criteria: Ambry Variant Classification Scheme 2023. Collection method: clinical testing. Allele origin: germline.
Comment: The c.109-2A>C intronic variant results from an A to C substitution two nucleotides upstream from coding exon 3 in the PALB2 gene. This nucleotide position is highly conserved in available vertebrate species. In silico splice site analysis predicts that this alteration will weaken the native splice acceptor site and will result in the creation or strengthening of a novel splice acceptor site; however, direct evidence is insufficient at this time (Ambry internal data). Alterations that disrupt the canonical splice site are expected to cause aberrant splicing, resulting in an abnormal protein or a transcript that is subject to nonsense-mediated mRNA decay. As such, this alteration is classified as likely pathogenic

NM_024675.4(PALB2):c.109-2A>C

Gene: PALB2 (partner and localizer of BRCA2; minus strand). Cytogenetic location: 16p12.2.
Variant type: single nucleotide variant.
Coding change: c.109-2A>C on transcript NM_024675.4 (MANE Select); the canonical splice acceptor site of the intron before coding-DNA position 109, A replaced by C.
Molecular consequence: splice acceptor variant. On other transcripts: intron variant (3).
Genome position (GRCh38, 1-based): chr16:23,637,954, T>G on the plus strand (A>C on the coding strand, the complement: PALB2 is on the minus strand). VCF-style: chr16-23637954-T-G. GRCh37 (hg19) VCF-style: chr16-23649275-T-G.
Other names: c.-777-2A>C (NM_001407309.1, NM_001407311.1, NM_001407305.1 and 5 more transcripts); c.48+3156A>C (NM_001407314.1); c.-105+3156A>C (NM_001407313.1, NM_001407312.1); c.49-2A>C (NM_001407296.1); c.109-2A>C (NM_001407297.1, NM_001407302.1, NM_001407298.1 and 3 more transcripts).
Identifiers: ClinVar variation 822146 (VCV000822146.6), dbSNP rs730881897, ClinGen allele CA395139505.